The following is an entry in ClinVar:

ClinVar aggregate classification (germline): Uncertain significance (1 of 4 stars; one submission).

Conditions:
Inborn genetic diseases. Identifiers: MedGen C0950123, MeSH D030342.

Submission:

Ambry Genetics
Classification: Uncertain significance for Inborn genetic diseases. Last evaluated: 2025-06-08. Review status: criteria provided, single submitter. Criteria: Ambry Variant Classification Scheme 2023. Collection method: clinical testing. Allele origin: germline.
Comment: The p.G143R variant (also known as c.427G>A), located in coding exon 2 of the ERCC6L2 gene, results from a G to A substitution at nucleotide position 427. The glycine at codon 143 is replaced by arginine, an amino acid with dissimilar properties. This amino acid position is conserved. In addition, this alteration is predicted to be deleterious by in silico analysis. Based on the available evidence, the clinical significance of this variant remains unclear.

NM_020207.7(ERCC6L2):c.427G>A (p.Gly143Arg)

Gene: ERCC6L2 (ERCC excision repair 6 like 2; plus strand). Cytogenetic location: 9q22.32.
Variant type: single nucleotide variant.
Coding change: c.427G>A on transcript NM_020207.7 (MANE Select); coding-DNA position 427, G replaced by A.
Protein change: p.Gly143Arg; replaces glycine 143 with arginine.
Molecular consequence: missense variant. On other transcripts: non-coding transcript variant (1).
Genome position (GRCh38, 1-based): chr9:95,881,249, G>A. VCF-style: chr9-95881249-G-A. GRCh37 (hg19) VCF-style: chr9-98643531-G-A.
Other names: c.427G>A, p.Gly143Arg (NM_001010895.4, NM_001375291.1, NM_001375292.1 and 2 more transcripts); short protein forms G143R.
Identifiers: ClinVar variation 4019402 (VCV004019402.1).